The following is an entry in ClinVar:

NM_000135.4(FANCA):c.190-494_597-592del

Gene: FANCA (FA complementation group A; minus strand). Cytogenetic location: 16q24.3.
Variant type: Deletion.
Coding change: c.190-494_597-592del on transcript NM_000135.4 (MANE Select); 494 bases into the intron before coding-DNA position 190 through 592 bases into the intron before coding-DNA position 597, 9,124 bases deleted.
Molecular consequence: splice acceptor variant, splice donor variant.
Genome position (GRCh38, 1-based): chr16:89,805,984-89,815,107, 9,124 bases deleted. GRCh37 (hg19): chr16:89,872,397-89,881,520.
Other names: c.190-494_597-592del (NM_001286167.3, NM_001018112.3); c.190-494_501-592del (NM_001351830.2).
Identifiers: ClinVar variation 973979 (VCV000973979.1), ClinGen allele CA1139664979.

ClinVar aggregate classification (germline): Pathogenic (0 of 4 stars; one submission).

Conditions:
Fanconi anemia complementation group A (FANCA). Also called: Fanconi anemia, group A; FANCA-Related Fanconi Anemia. Identifiers: Orphanet 84, MedGen C3469521, MONDO:0009215, OMIM 227650.

Submission:

Leiden Open Variation Database
Classification: Pathogenic for Fanconi anemia complementation group A. Last evaluated: 2020-02-28. Review status: no assertion criteria provided. Collection method: curation. Allele origin: germline. Affected: yes.
Comment: Curator: Arleen D. Auerbach. Submitter to LOVD: Arleen D. Auerbach.

Literature cited by the submitters: PubMed 25168418.